The following is an entry in ClinVar:

ClinVar aggregate classification (germline): Uncertain significance (1 of 4 stars; one submission).

Conditions:
Ehlers-Danlos syndrome, classic type, 1 (EDSCL1). Also called: EHLERS-DANLOS SYNDROME, GRAVIS TYPE; EHLERS-DANLOS SYNDROME, SEVERE CLASSIC TYPE; Ehlers-Danlos syndrome, type 1; Ehlers-Danlos Syndrome, Classic Type, COL5A1-Related; EDS I. Identifiers: MedGen C0268335, MONDO:0019567, OMIM 130000.

Allele frequency attached by ClinVar (database versions not stated): gnomAD exomes 0.00001.
gnomAD v4.1: 3 of 1,613,964 alleles (0.00019%); highest among the groups gnomAD compares: Non-Finnish European, 0.00025%; no homozygotes.

Submission:

Labcorp Genetics (formerly Invitae), Labcorp
Classification: Uncertain significance for Ehlers-Danlos syndrome, classic type, 1. Last evaluated: 2021-12-01. Review status: criteria provided, single submitter. Criteria: Invitae Variant Classification Sherloc (09022015). Collection method: clinical testing. Allele origin: germline.
Comment: In summary, the available evidence is currently insufficient to determine the role of this variant in disease. Therefore, it has been classified as a Variant of Uncertain Significance. Advanced modeling of protein sequence and biophysical properties (such as structural, functional, and spatial information, amino acid conservation, physicochemical variation, residue mobility, and thermodynamic stability) performed at Invitae indicates that this missense variant is not expected to disrupt COL5A2 protein function. This variant has not been reported in the literature in individuals affected with COL5A2-related conditions. This variant is present in population databases (no rsID available, gnomAD 0.002%). This sequence change replaces isoleucine, which is neutral and non-polar, with phenylalanine, which is neutral and non-polar, at codon 1433 of the COL5A2 protein (p.Ile1433Phe).

NM_000393.5(COL5A2):c.4297A>T (p.Ile1433Phe)

Gene: COL5A2 (collagen type V alpha 2 chain; minus strand). Cytogenetic location: 2q32.2.
Variant type: single nucleotide variant.
Coding change: c.4297A>T on transcript NM_000393.5 (MANE Select); coding-DNA position 4297, A replaced by T.
Protein change: p.Ile1433Phe; replaces isoleucine 1433 with phenylalanine.
Molecular consequence: missense variant.
Genome position (GRCh38, 1-based): chr2:189,034,972, T>A on the plus strand (A>T on the coding strand, the complement: COL5A2 is on the minus strand). VCF-style: chr2-189034972-T-A. GRCh37 (hg19) VCF-style: chr2-189899698-T-A.
Other names: short protein forms I1433F.
Identifiers: ClinVar variation 1496249 (VCV001496249.6), dbSNP rs1409867440, ClinGen allele CA349854893.
Genomic context (GRCh38, chr2:189,034,972, plus strand): 5'-TTACAGAGCAAGTGTCTTGAAGAACGATATACCGGAATCTAATATTTCCCTCTGCTTTGA[T>A]ATCTAAGTCATTTGCCCCTTTGAGAACCACAGCTTTTTTGAGGTTCTTAGCTTGATCGTC-3'
Protein context (NP_000384.2, residues 1423-1443): VVLKGANDLD[Ile1433Phe]KAEGNIRFRY